The following is an entry in ClinVar:

NM_000023.4(SGCA):c.739G>A (p.Val247Met)

Gene: SGCA (sarcoglycan alpha; plus strand). Cytogenetic location: 17q21.33.
Variant type: single nucleotide variant.
Coding change: c.739G>A on transcript NM_000023.4 (MANE Select); coding-DNA position 739, G replaced by A.
Protein change: p.Val247Met; replaces valine 247 with methionine.
Molecular consequence: missense variant. On other transcripts: non-coding transcript variant (1), intron variant (1).
Genome position (GRCh38, 1-based): chr17:50,169,246, G>A. VCF-style: chr17-50169246-G-A. GRCh37 (hg19) VCF-style: chr17-48246607-G-A.
Other names: NM_000023.4(SGCA):c.739G>A; c.584+674G>A (NM_001135697.3); short protein forms V247M.
Identifiers: ClinVar variation 167677 (VCV000167677.89), dbSNP rs143570936, ClinGen allele CA203189.
Genomic context (GRCh38, chr17:50,169,246, plus strand): 5'-CCTCCACTTCTGTCTTGCTACGACACCTTGGCACCCCACTTCCGCGTTGACTGGTGCAAT[G>A]TGACCCTGGTGAGGAGGGACCCTGGGTCCGGGGGTGGGGTGGGGCATGGCCCCCATCCCA-3'
Protein context (NP_000014.1, residues 237-257): APHFRVDWCN[Val247Met]TLVDKSVPEP

ClinVar aggregate classification (germline): Pathogenic. Review status: reviewed by expert panel (3 of 4 stars). 28 submissions from 28 submitters: Pathogenic (1). 27 of the submissions do not count toward it. Last evaluated 2026-04-29.

Conditions:
Sarcoglycanopathy. Identifiers: Orphanet 207052, MedGen C2936331, MONDO:0016140.
SGCA-related disorder. Also called: SGCA-related condition.
Autosomal recessive limb-girdle muscular dystrophy. Identifiers: Orphanet 102015, MedGen C2931907, MONDO:0015152.
Autosomal recessive limb-girdle muscular dystrophy type 2D (LGMDR3). Also called: MUSCULAR DYSTROPHY, LIMB-GIRDLE, AUTOSOMAL RECESSIVE 3; ADHALINOPATHY, PRIMARY; DUCHENNE-LIKE AUTOSOMAL RECESSIVE MUSCULAR DYSTROPHY, TYPE 2. Identifiers: Orphanet 62, MedGen C2936332, MONDO:0011968, OMIM 608099. Disease mechanism: Affects gamma-sarcoglycan and also disrupts the integrity of the entire sarcoglycan complex..

Allele frequency attached by ClinVar (database versions not stated): gnomAD exomes 0.00011 and 0.00021; TOPMed 0.00021; ExAC 0.00013; ESP Exome Variant Server 0.00015; gnomAD 0.00019.
gnomAD v4.1: 341 of 1,612,294 alleles (0.021%); highest among the groups gnomAD compares: Middle Eastern, 0.049%; no homozygotes.

Submissions 1 to 9 of 28:

ClinGen Limb Girdle Muscular Dystrophy Variant Curation Expert Panel, ClinGen
Classification: Pathogenic for Autosomal recessive limb-girdle muscular dystrophy. Last evaluated: 2026-04-29. Review status: reviewed by expert panel. Criteria: ClinGen LGMD VCEP ACMG Specifications SGCA V2.0.0. Collection method: curation. Allele origin: germline. Inheritance: Autosomal recessive inheritance.
Comment: The NM_000023.4: c.739G>A variant in SGCA is a missense variant predicted to cause substitution of valine by methionine at amino acid 247, p.(Val247Met). This variant has been detected in at least 11 individuals with symptoms of limb girdle muscular dystrophy. Of those individuals, four were confirmed compound heterozygous for the variant and a pathogenic or likely pathogenic variant (c.229C>T, c.101G>A, c.850C>T, 4 pts, PMID: 30919934, 15298081, 33458577), five had a pathogenic variant in unconfirmed phase (c.229C>T, 2.5 pts, PMID: 10942431, 12566530, 31407473, 25135358) and at least three were homozygous for the variant (1 pt, PMID: 26404900, 26453141) (PM3_Very strong). The variant has been reported to segregate with autosomal recessive limb girdle muscular dystrophy in five affected family members from two families (PP1_Strong; PMID: 26404900, 15298081). At least one patient with this variant displayed progressive limb girdle muscle weakness and reduced α-sarcoglycan protein expression, which is highly specific for SGCA-related LGMD (PMID: 32528171,12566530; PP4) (capped with PP1_Strong). In an in vitro assay, this variant led to a complete loss of α-sarcoglycan at the plasma membrane, indicating that this variant impacts protein function (PMID: 22095924) (PS3_Supporting). The upper bound of the 95% confidence interval of the Grpmax variant allele frequency in gnomAD v4.1.1 is 0.0002863 for alleles in gnomAD v4.1.0 (307/1178700 European (non-Finnish) chromosomes), which is higher than the LGMD VCEP threshold (<0.00009) for PM2_Supporting, and therefore does not meet this criterion. The filtering allele frequency is also above the threshold for BS1. The computational predictor REVEL gives a score of 0.67, which is lower than the threshold of 0.7 (PP3 not met). In summary, this variant meets the criteria to be classified as Pathogenic for autosomal recessive limb girdle muscular dystrophy based on the ACMG/AMP criteria applied, as specified by the ClinGen LGMD VCEP (LGMD VCEP specifications version 2.0.0; 04/29/2026): PM3_Very Strong, PP1_Strong, PS3_Supporting, PP4.

Institute of Human Genetics, Heidelberg University
Classification: Pathogenic for Autosomal recessive limb-girdle muscular dystrophy type 2D. Last evaluated: 2026-03-04. Review status: criteria provided, single submitter. Criteria: ACMG Guidelines, 2015. Collection method: clinical testing. Allele origin: paternal. Affected: yes. Observed: 2 variant alleles. Not counted in ClinVar's aggregate classification.
Comment: PM2_supp, PP3_supp, PS3_supp, PP1_mod, PM3_vs

Labcorp Genetics (formerly Invitae), Labcorp
Classification: Pathogenic for Autosomal recessive limb-girdle muscular dystrophy type 2D. Last evaluated: 2026-01-28. Review status: criteria provided, single submitter. Criteria: Invitae Variant Classification Sherloc (09022015). Collection method: clinical testing. Allele origin: germline. Not counted in ClinVar's aggregate classification.
Comment: This sequence change replaces valine, which is neutral and non-polar, with methionine, which is neutral and non-polar, at codon 247 of the SGCA protein (p.Val247Met). This variant is present in population databases (rs143570936, gnomAD 0.02%). This missense change has been observed in individual(s) with limb girdle muscular dystrophy type 2D (PMID: 7663524, 9192266, 18285821, 25135358, 25214167, 26404900, 26453141, 26934379). In at least one individual the data is consistent with being in trans (on the opposite chromosome) from a pathogenic variant. It has also been observed to segregate with disease in related individuals. ClinVar contains an entry for this variant (Variation ID: 167677). Invitae Evidence Modeling of protein sequence and biophysical properties (such as structural, functional, and spatial information, amino acid conservation, physicochemical variation, residue mobility, and thermodynamic stability) indicates that this missense variant is expected to disrupt SGCA protein function with a positive predictive value of 95%. Experimental studies have shown that this missense change affects SGCA function (PMID: 18535179, 22095924). For these reasons, this variant has been classified as Pathogenic.

Natera, Inc.
Classification: Pathogenic for Limb-girdle muscular dystrophy type 2D. Last evaluated: 2025-10-27. Review status: criteria provided, single submitter. Criteria: Natera Variant Classification Schema (03/2026). Collection method: clinical testing. Allele origin: germline. Not counted in ClinVar's aggregate classification.
Comment: The c.739G>A variant in SGCA is a missense variant predicted to cause substitution of valine to methionine at amino acid 247. This variant is rare in the general population with a frequency below the threshold expected for the associated phenotype(s). This variant has been observed in one or more individuals affected with the associated recessive disease, as either homozygous or compound heterozygous with a second variant (PMID: 26404900, 10204782, 18996010, 24565866). Additionally, this variant has been observed to segregate in affected family members (PMID: 10204782, 18996010). Given the available evidence, this variant is classified as Pathogenic.

Dasa
Classification: Pathogenic. Last evaluated: 2025-06-06. Review status: criteria provided, single submitter. Criteria: DASA Assertion Criteria. Collection method: clinical testing. Allele origin: germline. Not counted in ClinVar's aggregate classification.
Comment: NM_000023.4(SGCA):c.739G>A (p.Val247Met) is a missense variant that results in the substitution of valine with methionine. Segregation evidence has been reported in affected families. This variant has been observed in affected individuals with related phenotype in a genotype context consistent with recessive disease (PMID: 18535179; PMID: 22095924; PMID: 7663524; PMID: 9192266; PMID: 18285821). Functional evidence supports a deleterious effect on the gene or gene product (PMID: 18535179; PMID: 22095924; PMID: 7663524; PMID: 9192266; PMID: 18285821). This variant has been recurrently observed in individuals with related phenotype (PMID: 18535179; PMID: 22095924; PMID: 7663524; PMID: 9192266; PMID: 18285821). The variant is present at low frequency in population datasets. Based on the available data, this variant is classified as pathogenic.

PreventionGenetics, part of Exact Sciences
Classification: Pathogenic for SGCA-related condition. Last evaluated: 2025-05-13. Review status: criteria provided, single submitter. Criteria: ACMG Guidelines, 2015. Collection method: clinical testing. Allele origin: germline. Not counted in ClinVar's aggregate classification.
Comment: The SGCA c.739G>A variant is predicted to result in the amino acid substitution p.Val247Met. This variant has previously been reported in many individuals to be causative for limb-girdle muscular dystrophy type 2D and in another patient with rhabdomyolysis and post-exertion myalgias (see for example Piccolo et al. 1995. PubMed ID: 7663524; Soheili et al. 2012. PubMed ID: 22095924; Tarnopolsky et al. 2015. PubMed ID: 26453141). Functional studies suggest this variant causes the SGCA protein to not localize to the membrane properly (Soheili et al. 2012. PubMed ID: 22095924). This variant is reported in 0.024% of alleles in individuals of European (Non-Finnish) descent in gnomAD. This variant is interpreted as pathogenic.

Genomic Medicine Center of Excellence, King Faisal Specialist Hospital and Research Centre
Classification: Pathogenic for Autosomal recessive limb-girdle muscular dystrophy type 2D. Last evaluated: 2025-01-04. Review status: criteria provided, single submitter. Criteria: ACMG Guidelines, 2015. Collection method: clinical testing. Allele origin: germline. Not counted in ClinVar's aggregate classification.

Revvity Omics, Revvity
Classification: Pathogenic for Autosomal recessive limb-girdle muscular dystrophy type 2D. Last evaluated: 2024-10-28. Review status: criteria provided, single submitter. Criteria: ACMG Guidelines, 2015. Collection method: clinical testing. Allele origin: germline. Not counted in ClinVar's aggregate classification.

Blueprint Genetics
Classification: Pathogenic for SGCA-related disorders. Last evaluated: 2024-09-11. Review status: criteria provided, single submitter. Criteria: ACMG Guidelines, 2015. Collection method: clinical testing. Allele origin: germline. Affected: yes. Observed: 5 variant alleles. Not counted in ClinVar's aggregate classification.